The following is an entry in ClinVar:

NM_000222.3(KIT):c.2255T>C (p.Val752Ala)

Gene: KIT (KIT proto-oncogene, receptor tyrosine kinase; plus strand). Cytogenetic location: 4q12.
Variant type: single nucleotide variant.
Coding change: c.2255T>C on transcript NM_000222.3 (MANE Select); coding-DNA position 2255, T replaced by C.
Protein change: p.Val752Ala; replaces valine 752 with alanine.
Molecular consequence: missense variant.
Genome position (GRCh38, 1-based): chr4:54,731,892, T>C. VCF-style: chr4-54731892-T-C. GRCh37 (hg19) VCF-style: chr4-55598058-T-C.
Other names: c.2243T>C, p.Val748Ala (NM_001093772.2, NM_001385292.1); c.2258T>C, p.Val753Ala (NM_001385284.1); c.2252T>C, p.Val751Ala (NM_001385285.1); c.2240T>C, p.Val747Ala (NM_001385286.1); c.2246T>C, p.Val749Ala (NM_001385288.1); c.2255T>C, p.Val752Ala (NM_001385290.1); short protein forms V748A, V752A, V747A, V749A, V751A, V753A.
Identifiers: ClinVar variation 940526 (VCV000940526.10), dbSNP rs758665590, ClinGen allele CA356910862.

ClinVar aggregate classification (germline): Uncertain significance (1 of 4 stars; one submission).

Conditions:
Gastrointestinal stromal tumor. Also called: Gastrointestinal stromal tumor, somatic; Gastrointestinal stroma tumor. Identifiers: Orphanet 44890, MedGen C0238198, MeSH D046152, MONDO:0011719, OMIM 606764, HP:0100723.

Submission:

Labcorp Genetics (formerly Invitae), Labcorp
Classification: Uncertain significance for Gastrointestinal stromal tumor. Last evaluated: 2024-12-12. Review status: criteria provided, single submitter. Criteria: Invitae Variant Classification Sherloc (09022015). Collection method: clinical testing. Allele origin: germline.
Comment: This sequence change replaces valine, which is neutral and non-polar, with alanine, which is neutral and non-polar, at codon 752 of the KIT protein (p.Val752Ala). This variant is not present in population databases (gnomAD no frequency). This variant has not been reported in the literature in individuals affected with KIT-related conditions. ClinVar contains an entry for this variant (Variation ID: 940526). An algorithm developed to predict the effect of missense changes on protein structure and function (PolyPhen-2) suggests that this variant is likely to be tolerated. In summary, the available evidence is currently insufficient to determine the role of this variant in disease. Therefore, it has been classified as a Variant of Uncertain Significance.